The following is an entry in ClinVar:

NM_001199138.2(NLRC4):c.1162C>T (p.Arg388Trp)

Gene: NLRC4 (NLR family CARD domain containing 4; minus strand). Cytogenetic location: 2p22.3.
Variant type: single nucleotide variant.
Coding change: c.1162C>T on transcript NM_001199138.2 (MANE Select); coding-DNA position 1162, C replaced by T.
Protein change: p.Arg388Trp; replaces arginine 388 with tryptophan.
Molecular consequence: missense variant. On other transcripts: intron variant (1).
Genome position (GRCh38, 1-based): chr2:32,250,702, G>A on the plus strand (C>T on the coding strand, the complement: NLRC4 is on the minus strand). VCF-style: chr2-32250702-G-A. GRCh37 (hg19) VCF-style: chr2-32475771-G-A.
Other names: c.1162C>T, p.Arg388Trp (NM_001199139.2, NM_021209.5); c.262+1717C>T (NM_001302504.1); short protein forms R388W.
Identifiers: ClinVar variation 1005083 (VCV001005083.8), dbSNP rs938626438, ClinGen allele CA44752845.

ClinVar aggregate classification (germline): Uncertain significance. Review status: criteria provided, multiple submitters, no conflicts (2 of 4 stars). 3 submissions from 3 submitters: Uncertain significance (3). Last evaluated 2025-11-26.

Conditions:
Inborn genetic diseases. Identifiers: MedGen C0950123, MeSH D030342.
Periodic fever-infantile enterocolitis-autoinflammatory syndrome. Also called: Autoinflammation with infantile enterocolitis. Identifiers: Orphanet 436166, MedGen C4015067, MONDO:0014472, OMIM 616050.
Familial cold autoinflammatory syndrome 4 (FCAS4). Identifiers: Orphanet 47045, Orphanet 576349, MedGen C4015276, MONDO:0014498, OMIM 616115.

Allele frequency attached by ClinVar (database versions not stated): TOPMed 0.00004; gnomAD exomes 0.00001 and 0.00002; gnomAD 0.00004.
gnomAD v4.1: 39 of 1,614,024 alleles (0.0024%); highest among the groups gnomAD compares: African/African-American, 0.016%; no homozygotes.

Submissions (3):

Ambry Genetics
Classification: Uncertain significance for Inborn genetic diseases. Last evaluated: 2025-11-26. Review status: criteria provided, single submitter. Criteria: Ambry Variant Classification Scheme 2023. Collection method: clinical testing. Allele origin: germline.

Women's Health and Genetics/Laboratory Corporation of America, LabCorp
Classification: Uncertain significance. Last evaluated: 2025-03-03. Review status: criteria provided, single submitter. Criteria: LabCorp Variant Classification Summary - May 2015. Collection method: clinical testing. Allele origin: germline.
Comment: Variant summary: NLRC4 c.1162C>T (p.Arg388Trp) results in a non-conservative amino acid change in the encoded protein sequence. One of two in-silico tools predict a benign effect of the variant on protein function. The variant allele was found at a frequency of 8e-06 in 251430 control chromosomes. The available data on variant occurrences in the general population are insufficient to allow any conclusion about variant significance. To our knowledge, no occurrence of c.1162C>T in individuals affected with Periodic fever-infantile enterocolitis-autoinflammatory syndrome and no experimental evidence demonstrating its impact on protein function have been reported. ClinVar contains an entry for this variant (Variation ID: 1005083). Based on the evidence outlined above, the variant was classified as uncertain significance.

Labcorp Genetics (formerly Invitae), Labcorp
Classification: Uncertain significance for Periodic fever-infantile enterocolitis-autoinflammatory syndrome; Familial cold autoinflammatory syndrome 4. Last evaluated: 2024-01-03. Review status: criteria provided, single submitter. Criteria: Invitae Variant Classification Sherloc (09022015). Collection method: clinical testing. Allele origin: germline.
Comment: This sequence change replaces arginine, which is basic and polar, with tryptophan, which is neutral and slightly polar, at codon 388 of the NLRC4 protein (p.Arg388Trp). This variant is present in population databases (no rsID available, gnomAD 0.02%). This variant has not been reported in the literature in individuals affected with NLRC4-related conditions. ClinVar contains an entry for this variant (Variation ID: 1005083). Advanced modeling of protein sequence and biophysical properties (such as structural, functional, and spatial information, amino acid conservation, physicochemical variation, residue mobility, and thermodynamic stability) performed at Invitae indicates that this missense variant is not expected to disrupt NLRC4 protein function with a negative predictive value of 80%. In summary, the available evidence is currently insufficient to determine the role of this variant in disease. Therefore, it has been classified as a Variant of Uncertain Significance.